The following is an entry in ClinVar:

NM_001036.6(RYR3):c.11859G>A (p.Gln3953=)

Gene: RYR3 (ryanodine receptor 3; plus strand). Cytogenetic location: 15q14.
Variant type: single nucleotide variant.
Coding change: c.11859G>A on transcript NM_001036.6 (MANE Select); coding-DNA position 11859, G replaced by A.
Protein change: p.Gln3953=; no amino-acid change (glutamine 3953 retained).
Molecular consequence: synonymous variant.
Genome position (GRCh38, 1-based): chr15:33,837,839, G>A. VCF-style: chr15-33837839-G-A. GRCh37 (hg19) VCF-style: chr15-34130040-G-A.
Other names: c.11844G>A, p.Gln3948= (NM_001243996.4).
Identifiers: ClinVar variation 461846 (VCV000461846.18), dbSNP rs189410371, ClinGen allele CA7461308.

ClinVar aggregate classification (germline): Likely benign. Review status: criteria provided, multiple submitters, no conflicts (2 of 4 stars). 5 submissions from 5 submitters: Likely benign (4). 1 of the submissions does not count toward it. Last evaluated 2026-03-01.

Conditions:
RYR3-related disorder. Also called: RYR3-related condition.
Epileptic encephalopathy. Identifiers: MedGen C0543888, HP:0200134.

Allele frequency attached by ClinVar (database versions not stated): gnomAD exomes 0.00018 and 0.00030; ExAC 0.00033; gnomAD 0.00047 and 0.00050; ESP Exome Variant Server 0.00058; TOPMed 0.00072; 1000 Genomes Project 0.00180; 1000 Genomes Project 30x 0.00265.
gnomAD v4.1: 358 of 1,614,008 alleles (0.022%); highest among the groups gnomAD compares: Admixed American, 0.11%; no homozygotes.

Submissions (5):

CeGaT Center for Human Genetics Tuebingen
Classification: Likely benign. Last evaluated: 2026-03-01. Review status: criteria provided, single submitter. Criteria: CeGaT Center For Human Genetics Tuebingen Variant Classification Criteria Version 2. Collection method: clinical testing. Allele origin: germline. Affected: yes. Observed: 1 variant allele.
Comment: RYR3: BP4, BP7

Labcorp Genetics (formerly Invitae), Labcorp
Classification: Likely benign for Epileptic encephalopathy. Last evaluated: 2025-01-06. Review status: criteria provided, single submitter. Criteria: Invitae Variant Classification Sherloc (09022015). Collection method: clinical testing. Allele origin: germline.

Blueprint Genetics
Classification: Likely benign. Last evaluated: 2024-08-26. Review status: criteria provided, single submitter. Criteria: ACMG Guidelines, 2015. Collection method: clinical testing. Allele origin: germline.

Breakthrough Genomics
Classification: Likely benign. Review status: criteria provided, single submitter. Criteria: ACMG Guidelines, 2015. Collection method: not provided. Allele origin: germline. Inheritance: Unknown mechanism. Affected: yes.

PreventionGenetics, part of Exact Sciences
Classification: Likely benign for RYR3-related condition. Last evaluated: 2019-02-22. Review status: no assertion criteria provided. Collection method: clinical testing. Allele origin: germline. Not counted in ClinVar's aggregate classification.
Comment: This variant is classified as likely benign based on ACMG/AMP sequence variant interpretation guidelines (Richards et al. 2015 PMID: 25741868, with internal and published modifications).